The following is an entry in ClinVar:

ClinVar aggregate classification (germline): Uncertain significance (1 of 4 stars; one submission).

Conditions:
Charcot-Marie-Tooth disease type 2. Also called: Charcot-Marie-Tooth type 2. Identifiers: Orphanet 64746, MedGen C0270914, MONDO:0018993.

Submission:

Labcorp Genetics (formerly Invitae), Labcorp
Classification: Uncertain significance for Charcot-Marie-Tooth disease type 2. Last evaluated: 2024-06-04. Review status: criteria provided, single submitter. Criteria: Invitae Variant Classification Sherloc (09022015). Collection method: clinical testing. Allele origin: germline.
Comment: This sequence change replaces alanine, which is neutral and non-polar, with serine, which is neutral and polar, at codon 896 of the AARS protein (p.Ala896Ser). This variant is not present in population databases (gnomAD no frequency). This variant has not been reported in the literature in individuals affected with AARS-related conditions. Advanced modeling of protein sequence and biophysical properties (such as structural, functional, and spatial information, amino acid conservation, physicochemical variation, residue mobility, and thermodynamic stability) performed at Invitae indicates that this missense variant is not expected to disrupt AARS protein function with a negative predictive value of 95%. In summary, the available evidence is currently insufficient to determine the role of this variant in disease. Therefore, it has been classified as a Variant of Uncertain Significance.

NM_001605.3(AARS1):c.2686G>T (p.Ala896Ser)

Gene: AARS1 (alanyl-tRNA synthetase 1; minus strand). Cytogenetic location: 16q22.1.
Variant type: single nucleotide variant.
Coding change: c.2686G>T on transcript NM_001605.3 (MANE Select); coding-DNA position 2686, G replaced by T.
Protein change: p.Ala896Ser; replaces alanine 896 with serine.
Molecular consequence: missense variant.
Genome position (GRCh38, 1-based): chr16:70,253,303, C>A on the plus strand (G>T on the coding strand, the complement: AARS1 is on the minus strand). VCF-style: chr16-70253303-C-A. GRCh37 (hg19) VCF-style: chr16-70287206-C-A.
Other names: short protein forms A896S.
Identifiers: ClinVar variation 3646778 (VCV003646778.2).